The following is an entry in ClinVar:

NM_017636.4(TRPM4):c.92+17T>C

Gene: TRPM4 (transient receptor potential cation channel subfamily M member 4; plus strand). Cytogenetic location: 19q13.33.
Variant type: single nucleotide variant.
Coding change: c.92+17T>C on transcript NM_017636.4 (MANE Select); 17 bases into the intron after coding-DNA position 92, T replaced by C.
Molecular consequence: intron variant.
Genome position (GRCh38, 1-based): chr19:49,158,276, T>C. VCF-style: chr19-49158276-T-C. GRCh37 (hg19) VCF-style: chr19-49661533-T-C.
Other names: c.92+17T>C (NM_001195227.2, NM_001321281.2); c.-1281+17T>C (NM_001321282.2); c.-75+17T>C (NM_001321283.2); c.-238+17T>C (NM_001321285.2).
Identifiers: ClinVar variation 680875 (VCV000680875.5), dbSNP rs754685981, ClinGen allele CA9568665.
Genomic context (GRCh38, chr19:49,158,276, plus strand): 5'-AAGAAGACCTGCACGACGTTCATAGTTGACTCCACAGATCCGGGGTGAGGAGTTCGCCCC[T>C]GGACTGACCCCAGAGGGTCCGCGGCCCGCTGACCCCGCCCGCGGATGGTCACGCCCCAGC-3'

ClinVar aggregate classification (germline): Likely benign. Review status: criteria provided, multiple submitters, no conflicts (2 of 4 stars). 2 submissions from 2 submitters: Likely benign (2). Last evaluated 2025-12-27.

Conditions:
Progressive familial heart block type IB (PFHB1B). Identifiers: Orphanet 871, MedGen C1970298, MONDO:0011474, OMIM 604559.

Allele frequency attached by ClinVar (database versions not stated): TOPMed 0.00001; gnomAD exomes 0.00003 and 0.00004; gnomAD 0.00001; ExAC 0.00002.
gnomAD v4.1: 50 of 1,612,188 alleles (0.0031%); highest among the groups gnomAD compares: Admixed American, 0.015%; no homozygotes.

Submissions (2):

Labcorp Genetics (formerly Invitae), Labcorp
Classification: Likely benign for Progressive familial heart block type IB. Last evaluated: 2025-12-27. Review status: criteria provided, single submitter. Criteria: Invitae Variant Classification Sherloc (09022015). Collection method: clinical testing. Allele origin: germline.

GeneDx
Classification: Likely benign. Last evaluated: 2018-03-19. Review status: criteria provided, single submitter. Criteria: GeneDx Variant Classification (06012015). Collection method: clinical testing. Allele origin: germline. Affected: yes.
Comment: This variant is considered likely benign or benign based on one or more of the following criteria: it is a conservative change, it occurs at a poorly conserved position in the protein, it is predicted to be benign by multiple in silico algorithms, and/or has population frequency not consistent with disease.